The following is an entry in ClinVar:

NM_206933.4(USH2A):c.99_100insT (p.Arg34fs)

Gene: USH2A (usherin; minus strand). Cytogenetic location: 1q41.
Variant type: Insertion.
Coding change: c.99_100insT on transcript NM_206933.4 (MANE Select); coding-DNA positions 99 to 100, T inserted.
Protein change: p.Arg34fs; shifts the reading frame from arginine 34.
Molecular consequence: frameshift variant.
Genome position: GRCh38 VCF-style: chr1-216422237-G-GA. GRCh37 (hg19) VCF-style: chr1-216595579-G-GA.
Other names: c.99_100insT, p.Arg34fs (NM_007123.6); short protein forms R34fs.
Identifiers: ClinVar variation 520636 (VCV000520636.24), dbSNP rs141672841, ClinGen allele CA37922153.

ClinVar aggregate classification (germline): Pathogenic/Likely pathogenic. Review status: criteria provided, multiple submitters, no conflicts (2 of 4 stars). 9 submissions from 9 submitters: Pathogenic (8); Likely pathogenic (1). Last evaluated 2025-03-11.

Conditions:
Retinitis pigmentosa 39 (RP39). Identifiers: Orphanet 791, MedGen C3151138, MONDO:0013436, OMIM 613809.
Usher syndrome type 2A. Also called: RETINAL DISEASE IN USHER SYNDROME TYPE IIA, MODIFIER OF; USHER SYNDROME, TYPE IIA. Identifiers: Orphanet 231178, Orphanet 886, MedGen C1848634, MONDO:0010169, OMIM 276901.
Inborn genetic diseases. Identifiers: MedGen C0950123, MeSH D030342.

Allele frequency attached by ClinVar (database versions not stated): gnomAD exomes below 0.00001; gnomAD 0.00001; 1000 Genomes Project 30x 0.00016.

Submissions (9):

Natera, Inc.
Classification: Pathogenic for Usher syndrome type 2A. Last evaluated: 2025-03-11. Review status: criteria provided, single submitter. Criteria: Natera Variant Classification Schema (03/2026). Collection method: clinical testing. Allele origin: germline.
Comment: The c.99_100insT variant in USH2A is a frameshift variant predicted to shift the reading frame beginning at codon 34 and leads to a stop codon 41 codons downstream. This variant is expected to result in nonsense mediated decay, truncation, or a dysfunctional protein product. This variant is rare in the general population with a frequency below the threshold expected for the associated phenotype(s). This variant has been observed in one or more individuals affected with the associated recessive disease, as either homozygous or compound heterozygous with a second variant (PMID: 32449591). Given the available evidence, this variant is classified as Pathogenic.

SingHealth Duke-NUS Institute of Precision Medicine
Classification: Likely pathogenic for Usher syndrome type 2A. Last evaluated: 2025-02-05. Review status: criteria provided, single submitter. Criteria: PRISM ACMG Classification Criteria. Collection method: clinical testing. Allele origin: germline. Affected: yes.
Comment: Variant is predicted to cause nonsense-mediated decay in a gene where LOF is a known cause of pathogenicity (PVS1). Homozygous allele count in gnomAD exomes and genomes are less than 0 (PM2).

Labcorp Genetics (formerly Invitae), Labcorp
Classification: Pathogenic. Last evaluated: 2025-01-21. Review status: criteria provided, single submitter. Criteria: Invitae Variant Classification Sherloc (09022015). Collection method: clinical testing. Allele origin: germline.
Comment: This sequence change creates a premature translational stop signal (p.Arg34Serfs*41) in the USH2A gene. It is expected to result in an absent or disrupted protein product. Loss-of-function variants in USH2A are known to be pathogenic (PMID: 10729113, 10909849, 20507924, 25649381). This variant is present in population databases (rs141672841, gnomAD 0.06%). This premature translational stop signal has been observed in individuals with clinical features of Usher syndrome and retinitis pigmentosa (PMID: 19023448, 23661369). It has also been observed to segregate with disease in related individuals. ClinVar contains an entry for this variant (Variation ID: 520636). For these reasons, this variant has been classified as Pathogenic.

Victorian Clinical Genetics Services, Murdoch Childrens Research Institute
Classification: Pathogenic for Usher syndrome type 2A. Last evaluated: 2024-10-11. Review status: criteria provided, single submitter. Criteria: ACMG Guidelines, 2015. Collection method: clinical testing. Allele origin: germline.
Comment: This variant is classified as Pathogenic. Evidence in support of pathogenic classification: Variant is predicted to cause nonsense-mediated decay (NMD) and loss of protein (premature termination codon is located at least 54 nucleotides upstream of the final exon-exon junction); Variant is present in gnomAD <0.01 for a recessive condition (v4: 3 heterozygote(s), 0 homozygote(s)); This variant has strong previous evidence of pathogenicity in unrelated individuals. It has been classified as pathogenic by multiple clinical laboratories in ClinVar, and has been observed in at least one individual with retinitis pigmentosa or Usher syndrome (PMID: 32893482, 19023448); Other NMD-predicted variant(s) comparable to the one identified in this case have very strong previous evidence for pathogenicity (DECIPHER). Additional information: This variant is heterozygous; This gene is associated with autosomal recessive disease; Loss of function is a known mechanism of disease in this gene and is associated with Usher syndrome, type 2A (MIM#276901) and retinitis pigmentosa (RP; MIM# 6138093). Null variants are associated with Usher syndrome while homozygous missense which lead to partially functional proteins typically causes non-syndromic RP (PMID: 20301515).

Genome-Nilou Lab
Classification: Pathogenic for Usher syndrome type 2A. Last evaluated: 2023-11-04. Review status: criteria provided, single submitter. Criteria: ACMG Guidelines, 2015. Collection method: clinical testing. Allele origin: germline. Affected: no.

Baylor Genetics
Classification: Pathogenic for Retinitis pigmentosa 39. Last evaluated: 2023-10-19. Review status: criteria provided, single submitter. Criteria: ACMG Guidelines, 2015. Collection method: clinical testing. Allele origin: unknown.

Centre for Mendelian Genomics, University Medical Centre Ljubljana
Classification: Pathogenic for Usher syndrome type 2A. Last evaluated: 2019-03-31. Review status: criteria provided, single submitter. Criteria: ACMG Guidelines, 2015. Collection method: clinical testing. Allele origin: unknown. Affected: yes.
Comment: This variant was classified as: Pathogenic. The following ACMG criteria were applied in classifying this variant: PVS1,PM2,.

Ambry Genetics
Classification: Pathogenic for Inborn genetic diseases. Last evaluated: 2015-03-19. Review status: criteria provided, single submitter. Criteria: Ambry exome assertion method (8-5-2015). Collection method: clinical testing. Allele origin: germline. Affected: yes. Observed: 1 variant allele.

Juno Genomics, Hangzhou Juno Genomics, Inc
Classification: Pathogenic for Usher syndrome type 2A. Review status: criteria provided, single submitter. Criteria: ACMG Guidelines, 2015. Collection method: clinical testing. Allele origin: germline.
Comment: Absent from controls (or at extremely low frequency if recessive) in Genome Aggregation Database.;Null variant in a gene where loss of function (LOF) is a known mechanism of disease.;For recessive disorders, detected in trans with a pathogenic variant.

Literature cited by the submitters: PubMed 32449591 (cited by Natera, Inc.); PubMed 10729113 (cited by Labcorp Genetics (formerly Invitae), Labcorp); PubMed 10909849 (cited by Labcorp Genetics (formerly Invitae), Labcorp); PubMed 20507924 (cited by Labcorp Genetics (formerly Invitae), Labcorp); PubMed 25649381 (cited by Labcorp Genetics (formerly Invitae), Labcorp); PubMed 19023448 (cited by Labcorp Genetics (formerly Invitae), Labcorp and Victorian Clinical Genetics Services, Murdoch Childrens Research Institute); PubMed 23661369 (cited by Labcorp Genetics (formerly Invitae), Labcorp); PubMed 32893482 (cited by Victorian Clinical Genetics Services, Murdoch Childrens Research Institute); PubMed 20301515 (cited by Victorian Clinical Genetics Services, Murdoch Childrens Research Institute).